The following is an entry in ClinVar:

NM_198834.3(ACACA):c.980A>G (p.Tyr327Cys)

Gene: ACACA (acetyl-CoA carboxylase alpha; minus strand). Cytogenetic location: 17q12.
Variant type: single nucleotide variant.
Coding change: c.980A>G on transcript NM_198834.3 (MANE Select); coding-DNA position 980, A replaced by G.
Protein change: p.Tyr327Cys; replaces tyrosine 327 with cysteine.
Molecular consequence: missense variant.
Genome position (GRCh38, 1-based): chr17:37,274,221, T>C on the plus strand (A>G on the coding strand, the complement: ACACA is on the minus strand). VCF-style: chr17-37274221-T-C. GRCh37 (hg19) VCF-style: chr17-35631112-T-C.
Other names: c.869A>G, p.Tyr290Cys (NM_198836.3, NM_198839.3); c.695A>G, p.Tyr232Cys (NM_198837.2); c.635A>G, p.Tyr212Cys (NM_198838.2); short protein forms Y232C, Y290C, Y327C, Y212C.
Identifiers: ClinVar variation 2240641 (VCV002240641.3), dbSNP rs2546644962, ClinGen allele CA398751919.

ClinVar aggregate classification (germline): Uncertain significance. Review status: criteria provided, multiple submitters, no conflicts (2 of 4 stars). 2 submissions from 2 submitters: Uncertain significance (2). Last evaluated 2025-10-02.

gnomAD v4.1: 1 of 1,614,118 alleles (0.000062%); highest among the groups gnomAD compares: South Asian, 0.0011%; no homozygotes.

Submissions (2):

Labcorp Genetics (formerly Invitae), Labcorp
Classification: Uncertain significance. Last evaluated: 2025-10-02. Review status: criteria provided, single submitter. Criteria: Invitae Variant Classification Sherloc (09022015). Collection method: clinical testing. Allele origin: germline.
Comment: This sequence change replaces tyrosine, which is neutral and polar, with cysteine, which is neutral and slightly polar, at codon 290 of the ACACA protein (p.Tyr290Cys). This variant is not present in population databases (gnomAD no frequency). This variant has not been reported in the literature in individuals affected with ACACA-related conditions. ClinVar contains an entry for this variant (Variation ID: 2240641). An algorithm developed to predict the effect of missense changes on protein structure and function outputs the following: PolyPhen-2: "Benign". The cysteine amino acid residue is found in multiple mammalian species, which suggests that this missense change does not adversely affect protein function. In summary, the available evidence is currently insufficient to determine the role of this variant in disease. Therefore, it has been classified as a Variant of Uncertain Significance.

Ambry Genetics
Classification: Uncertain significance. Last evaluated: 2021-08-02. Review status: criteria provided, single submitter. Criteria: Ambry Variant Classification Scheme 2023. Collection method: clinical testing. Allele origin: germline.